The following is an entry in ClinVar:

NM_001999.4(FBN2):c.8149T>A (p.Tyr2717Asn)

Gene: FBN2 (fibrillin 2; minus strand). Cytogenetic location: 5q23.3.
Variant type: single nucleotide variant.
Coding change: c.8149T>A on transcript NM_001999.4 (MANE Select); coding-DNA position 8149, T replaced by A.
Protein change: p.Tyr2717Asn; replaces tyrosine 2717 with asparagine.
Molecular consequence: missense variant.
Genome position (GRCh38, 1-based): chr5:128,263,468, A>T on the plus strand (T>A on the coding strand, the complement: FBN2 is on the minus strand). VCF-style: chr5-128263468-A-T. GRCh37 (hg19) VCF-style: chr5-127599160-A-T.
Other names: short protein forms Y2717N.
Identifiers: ClinVar variation 4841630 (VCV004841630.1).

ClinVar aggregate classification (germline): Uncertain significance (1 of 4 stars; one submission).

Conditions:
Familial thoracic aortic aneurysm and aortic dissection (TAAD). Also called: Thoracic aortic aneurysms and dissections. Identifiers: Orphanet 91387, MedGen C4707243, MONDO:0019625.

Submission:

Ambry Genetics
Classification: Uncertain significance for Familial thoracic aortic aneurysm and aortic dissection. Last evaluated: 2025-12-30. Review status: criteria provided, single submitter. Criteria: Ambry Variant Classification Scheme 2023. Collection method: clinical testing. Allele origin: germline.
Comment: The p.Y2717N variant (also known as c.8149T>A), located in coding exon 63 of the FBN2 gene, results from a T to A substitution at nucleotide position 8149. The tyrosine at codon 2717 is replaced by asparagine, an amino acid with dissimilar properties. This amino acid position is conserved. In addition, this alteration is predicted to be deleterious by in silico analysis. Based on the available evidence, the clinical significance of this variant remains unclear.